The following is an entry in ClinVar:

NM_001382567.1(STIM1):c.551G>A (p.Arg184Gln)

Gene: STIM1 (stromal interaction molecule 1; plus strand). Cytogenetic location: 11p15.4.
Variant type: single nucleotide variant.
Coding change: c.551G>A on transcript NM_001382567.1 (MANE Select); coding-DNA position 551, G replaced by A.
Protein change: p.Arg184Gln; replaces arginine 184 with glutamine.
Molecular consequence: missense variant. On other transcripts: non-coding transcript variant (3), intron variant (1).
Genome position (GRCh38, 1-based): chr11:4,059,334, G>A. VCF-style: chr11-4059334-G-A. GRCh37 (hg19) VCF-style: chr11-4080564-G-A.
Other names: c.551G>A, p.Arg184Gln (NM_001277961.3, NM_001277962.2, NM_001382568.1 and 2 more transcripts); c.329G>A, p.Arg110Gln (NM_001382566.1, NM_001382573.1, NM_001382574.1 and 5 more transcripts); c.416G>A, p.Arg139Gln (NM_001382569.1); c.71G>A, p.Arg24Gln (NM_001382571.1); c.62G>A, p.Arg21Gln (NM_001382580.1, NM_001382581.1); c.386-10692G>A (NM_001382570.1); short protein forms R139Q, R21Q, R24Q, R110Q, R184Q.
Identifiers: ClinVar variation 1387918 (VCV001387918.6), dbSNP rs766441391, ClinGen allele CA5830254.

ClinVar aggregate classification (germline): Uncertain significance (1 of 4 stars; one submission).

Conditions:
Myopathy with tubular aggregates (TAM). Also called: Tubular Aggregate Myopathy. Identifiers: Orphanet 2593, MedGen C0410207, MONDO:0008051.
Combined immunodeficiency due to STIM1 deficiency. Also called: STIM1 DEFICIENCY; IMMUNODEFICIENCY 10. Identifiers: Orphanet 169090, Orphanet 317430, MedGen C2748557, MONDO:0013008, OMIM 612783.
Stormorken syndrome (STRMK). Also called: THROMBOCYTOPATHY, ASPLENIA, AND MIOSIS. Identifiers: Orphanet 3204, MedGen C1861451, MONDO:0008497, OMIM 185070.

Allele frequency attached by ClinVar (database versions not stated): gnomAD 0.00001; gnomAD exomes 0.00001; TOPMed 0.00001; ExAC 0.00002.
gnomAD v4.1: 7 of 1,613,976 alleles (0.00043%); highest among the groups gnomAD compares: African/African-American, 0.004%; no homozygotes.

Submission:

Labcorp Genetics (formerly Invitae), Labcorp
Classification: Uncertain significance for Myopathy with tubular aggregates; Combined immunodeficiency due to STIM1 deficiency; Stormorken syndrome. Last evaluated: 2023-05-23. Review status: criteria provided, single submitter. Criteria: Invitae Variant Classification Sherloc (09022015). Collection method: clinical testing. Allele origin: germline.
Comment: In summary, the available evidence is currently insufficient to determine the role of this variant in disease. Therefore, it has been classified as a Variant of Uncertain Significance. Advanced modeling of protein sequence and biophysical properties (such as structural, functional, and spatial information, amino acid conservation, physicochemical variation, residue mobility, and thermodynamic stability) has been performed at Invitae for this missense variant, however the output from this modeling did not meet the statistical confidence thresholds required to predict the impact of this variant on STIM1 protein function. ClinVar contains an entry for this variant (Variation ID: 1387918). This variant has not been reported in the literature in individuals affected with STIM1-related conditions. This variant is present in population databases (rs766441391, gnomAD 0.01%). This sequence change replaces arginine, which is basic and polar, with glutamine, which is neutral and polar, at codon 184 of the STIM1 protein (p.Arg184Gln).